The following is an entry in ClinVar:

ClinVar aggregate classification (germline): Likely benign (1 of 4 stars; one submission).

Submission:

CeGaT Center for Human Genetics Tuebingen
Classification: Likely benign. Last evaluated: 2025-12-01. Review status: criteria provided, single submitter. Criteria: CeGaT Center For Human Genetics Tuebingen Variant Classification Criteria Version 2. Collection method: clinical testing. Allele origin: germline. Affected: yes. Observed: 1 variant allele.
Comment: RET: BS1

NM_020975.6(RET):c.2137-686dup

Gene: RET (ret proto-oncogene; plus strand). Cytogenetic location: 10q11.21.
Variant type: Duplication.
Coding change: c.2137-686dup on transcript NM_020975.6 (MANE Select); 686 bases into the intron before coding-DNA position 2137, one base duplicated (G; older notation c.2137-686dupG).
Molecular consequence: intron variant.
Genome position (GRCh38, 1-based): chr10:43,115,898, G duplicated; the last of 4 consecutive G bases (chr10:43,115,895-43,115,898); duplicating any one gives the same sequence. VCF-style (leftmost placement, unchanged base first): chr10-43115894-T-TG. GRCh37 (hg19) VCF-style: chr10-43611342-T-TG.
Other names: c.2137-686dup (NM_020630.7, NM_001406743.1, NM_001406744.1 and 2 more transcripts); c.2002-686dup (NM_001406765.1, NM_001406763.1); c.1741-686dup (NM_001406772.1, NM_001406769.1); c.1699-686dup (NM_001406773.1, NM_001406771.1); c.1240-686dup (NM_001406782.1, NM_001406780.1, NM_001406779.1 and 1 more transcripts); c.1105-686dup (NM_001406787.1); c.1120-686dup (NM_001406785.1); c.2008-686dup (NM_001406764.1, NM_001406762.1, NM_001406761.1); and 10 more.
Identifiers: ClinVar variation 4820659 (VCV004820659.4).
Genomic context (GRCh38, chr10:43,115,894, plus strand): 5'-AGCGGCAGGGAAGCCATGGCAGTGTCGACACTGACCTTGACTGTGGGTTCCCAGGGAATG[T>TG]GGGGCCAGACCAGGACAGCCCAGGAGCAGGAGACCTGGGGTGACGGATGCCCAGAGCTGG-3'